The following is an entry in ClinVar:

ClinVar aggregate classification (germline): Benign. Review status: criteria provided, single submitter (1 of 4 stars). 2 submissions from 2 submitters: Benign (1). 1 of the submissions does not count toward it.

Conditions:
X-linked central congenital hypothyroidism with late-onset testicular enlargement. Also called: Hypothyroidism, central, and testicular enlargement; HYPOTHYROIDISM, CENTRAL, WITH TESTICULAR ENLARGEMENT. Identifiers: Orphanet 329235, MedGen C3550963, MONDO:0010475, OMIM 300888.

Allele frequency attached by ClinVar (database versions not stated): gnomAD exomes 0.45734 and 0.50175; gnomAD 0.45786 and 0.45833; TOPMed 0.46303; 1000 Genomes Project 30x 0.50109; 1000 Genomes Project 0.50260; ExAC 0.62530.
gnomAD v4.1: 150,542 of 328,874 alleles (46%); highest among the groups gnomAD compares: East Asian, 59%; 34,848 homozygotes.

Submissions (2):

Breakthrough Genomics
Classification: Benign. Review status: criteria provided, single submitter. Criteria: ACMG Guidelines, 2015. Collection method: not provided. Allele origin: germline. Inheritance: Autosomal recessive inheritance. Affected: yes.

Leiden Open Variation Database
Classification: Likely benign for X-linked central congenital hypothyroidism with late-onset testicular enlargement. Last evaluated: 2020-02-28. Review status: no assertion criteria provided. Collection method: curation. Allele origin: germline. Affected: yes. Not counted in ClinVar's aggregate classification.
Comment: Curator: Arleen D. Auerbach. Submitter to LOVD: Yu Sun.

NM_000136.3(FANCC):c.996+1752A>G

Genes: AOPEP (aminopeptidase O (putative); plus strand), FANCC (FA complementation group C; minus strand). Cytogenetic location: 9q22.32.
Variant type: single nucleotide variant.
Coding change: c.996+1752A>G on transcript NM_000136.3 (MANE Select); 1752 bases into the intron after coding-DNA position 996, A replaced by G.
Molecular consequence: intron variant.
Genome position (GRCh38, 1-based): chr9:95,123,334, T>C on the plus strand (A>G on the coding strand, the complement: FANCC is on the minus strand). VCF-style: chr9-95123334-T-C. GRCh37 (hg19) VCF-style: chr9-97885616-T-C.
Other names: c.996+1752A>G (NM_001243743.2, NM_001243744.2).
Identifiers: ClinVar variation 929814 (VCV000929814.2), dbSNP rs881791, ClinGen allele CA5137501.